The following is an entry in ClinVar:

NM_138769.3(RHOT2):c.1710C>T (p.Leu570=)

Gene: RHOT2 (ras homolog family member T2; plus strand). Cytogenetic location: 16p13.3.
Variant type: single nucleotide variant.
Coding change: c.1710C>T on transcript NM_138769.3 (MANE Select); coding-DNA position 1710, C replaced by T.
Protein change: p.Leu570=; no amino-acid change (leucine 570 retained).
Molecular consequence: synonymous variant. On other transcripts: non-coding transcript variant (4).
Genome position (GRCh38, 1-based): chr16:673,110, C>T. VCF-style: chr16-673110-C-T. GRCh37 (hg19) VCF-style: chr16-723110-C-T.
Other names: c.1713C>T, p.Leu571= (NM_001352275.2); c.1659C>T, p.Leu553= (NM_001352276.2); c.1656C>T, p.Leu552= (NM_001352277.2); c.1611C>T, p.Leu537= (NM_001352278.2); c.1557C>T, p.Leu519= (NM_001352279.2); c.1392C>T, p.Leu464= (NM_001352280.2); c.1389C>T, p.Leu463= (NM_001352281.2, NM_001352282.2); c.1329C>T, p.Leu443= (NM_001352283.2); and 4 more.
Identifiers: ClinVar variation 2645843 (VCV002645843.24), dbSNP rs771601096, ClinGen allele CA7785929.
Genomic context (GRCh38, chr16:673,110, plus strand): 5'-TCCCGTGCCGTTCTCCTGTGCTGGCCCAGCCGAGCCCAGCACCACCATCTTCACCCAGCT[C>T]GCCACCATGGCCGCCTTCCCGTGGGTACCCAGTAGCGCAGCCCTGGGGACTAGCAGTGTC-3'
Protein context (NP_620124.1, residues 560-580): AEPSTTIFTQ[Leu570=]ATMAAFPHLV

ClinVar aggregate classification (germline): Likely benign (1 of 4 stars; one submission).

Allele frequency attached by ClinVar (database versions not stated): gnomAD exomes 0.00002; TOPMed 0.00002; ExAC 0.00003; gnomAD 0.00003.

Submission:

CeGaT Center for Human Genetics Tuebingen
Classification: Likely benign. Last evaluated: 2022-05-01. Review status: criteria provided, single submitter. Criteria: CeGaT Center For Human Genetics Tuebingen Variant Classification Criteria Version 2. Collection method: clinical testing. Allele origin: germline. Affected: yes. Observed: 1 variant allele.
Comment: RHOT2: BP4, BP7